The following is an entry in ClinVar:

NM_015015.3(KDM4B):c.326C>G (p.Thr109Ser)

Gene: KDM4B (lysine demethylase 4B; plus strand). Cytogenetic location: 19p13.3.
Variant type: single nucleotide variant.
Coding change: c.326C>G on transcript NM_015015.3 (MANE Select); coding-DNA position 326, C replaced by G.
Protein change: p.Thr109Ser; replaces threonine 109 with serine.
Molecular consequence: missense variant.
Genome position (GRCh38, 1-based): chr19:5,041,145, C>G. VCF-style: chr19-5041145-C-G. GRCh37 (hg19) VCF-style: chr19-5041156-C-G.
Other names: c.326C>G, p.Thr109Ser (NM_001370093.1, NM_001370094.1, NM_001411148.1); short protein forms T109S.
Identifiers: ClinVar variation 4075678 (VCV004075678.1).
Genomic context (GRCh38, chr19:5,041,145, plus strand): 5'-GCGTAGCACCCAGGCCTCACCCTGAGCTGGTTTTGGGGTGTTTGTTCACCAGGTACTGTA[C>G]CCCGCGGCACCAGGACTTTGATGACCTTGAACGCAAATACTGGAAGAACCTCACCTTTGT-3'
Protein context (NP_055830.1, residues 99-119): RRLANSEKYC[Thr109Ser]PRHQDFDDLE

ClinVar aggregate classification (germline): Uncertain significance (1 of 4 stars; one submission).

Submission:

GeneDx
Classification: Uncertain significance. Last evaluated: 2025-02-15. Review status: criteria provided, single submitter. Criteria: GeneDx Variant Classification Process June 2021. Collection method: clinical testing. Allele origin: germline. Affected: yes.
Comment: Not observed at significant frequency in large population cohorts (gnomAD); In silico analysis supports that this missense variant has a deleterious effect on protein structure/function; Has not been previously published as pathogenic or benign to our knowledge